The following is an entry in ClinVar:

NM_032193.4(RNASEH2C):c.322GAG[2] (p.Glu110del)

Gene: RNASEH2C (ribonuclease H2 subunit C; minus strand). Cytogenetic location: 11q13.1.
Variant type: Microsatellite.
Coding change: c.322GAG[2] on transcript NM_032193.4 (MANE Select); two copies in a row of the 3-base unit GAG starting at c.322; the reference has three copies in a row; one copy, 3 bases deleted.
Protein change: p.Glu110del; deletes glutamic acid 110.
Molecular consequence: inframe deletion.
Genome position (GRCh38, 1-based): chr11:65,720,260-65,720,262, CTC deleted on the plus strand (GAG on the coding strand, the reverse complement: RNASEH2C is on the minus strand); deleting any 3 consecutive bases within chr11:65,720,260-65,720,268 gives the same sequence; the position shown is the placement nearest the transcript's 3' end. VCF-style (leftmost placement, unchanged base first): chr11-65720259-GCTC-G. GRCh37 (hg19) VCF-style: chr11-65487730-GCTC-G.
Other names: short protein forms E110del.
Identifiers: ClinVar variation 1991493 (VCV001991493.1), dbSNP rs757678258, ClinGen allele CA6107735.

ClinVar aggregate classification (germline): Uncertain significance (1 of 4 stars; one submission).

Conditions:
Aicardi-Goutieres syndrome 3. Identifiers: Orphanet 51, MedGen C1835916, MONDO:0012471, OMIM 610329.

Submission:

Labcorp Genetics (formerly Invitae), Labcorp
Classification: Uncertain significance for Aicardi-Goutieres syndrome 3. Last evaluated: 2022-07-30. Review status: criteria provided, single submitter. Criteria: Invitae Variant Classification Sherloc (09022015). Collection method: clinical testing. Allele origin: germline.
Comment: This variant, c.328_330del, results in the deletion of 1 amino acid(s) of the RNASEH2C protein (p.Glu110del), but otherwise preserves the integrity of the reading frame. This variant is present in population databases (rs757678258, gnomAD 0.007%). This variant has not been reported in the literature in individuals affected with RNASEH2C-related conditions. Experimental studies and prediction algorithms are not available or were not evaluated, and the functional significance of this variant is currently unknown. In summary, the available evidence is currently insufficient to determine the role of this variant in disease. Therefore, it has been classified as a Variant of Uncertain Significance.